The following is an entry in ClinVar:

NM_014967.5(FAN1):c.1494C>T (p.Asp498=)

Gene: FAN1 (FANCD2 and FANCI associated nuclease 1; plus strand). Cytogenetic location: 15q13.3.
Variant type: single nucleotide variant.
Coding change: c.1494C>T on transcript NM_014967.5 (MANE Select); coding-DNA position 1494, C replaced by T.
Protein change: p.Asp498=; no amino-acid change (aspartic acid 498 retained).
Molecular consequence: synonymous variant.
Genome position (GRCh38, 1-based): chr15:30,910,732, C>T. VCF-style: chr15-30910732-C-T. GRCh37 (hg19) VCF-style: chr15-31202935-C-T.
Other names: c.1494C>T, p.Asp498= (NM_001146094.2, NM_001146095.1, NM_001146096.2).
Identifiers: ClinVar variation 739356 (VCV000739356.9), dbSNP rs199855919, ClinGen allele CA7450316.
Genomic context (GRCh38, chr15:30,910,732, plus strand): 5'-ATCCCTAGCCAAGACCTTCCACTTGGTGAATCCCAATGGACAGAAACAGCAGCTGGTGGA[C>T]GCCTTTCTCAAATTGGCCAAACAGCGTTCAGTCTGCACTTGGGGCAAGAATAAGCCTGGA-3'
Protein context (NP_055782.3, residues 488-508): NPNGQKQQLV[Asp498=]AFLKLAKQRS

ClinVar aggregate classification (germline): Likely benign. Review status: criteria provided, single submitter (1 of 4 stars). 2 submissions from 2 submitters: Likely benign (1). 1 of the submissions does not count toward it. Last evaluated 2025-12-25.

Conditions:
FAN1-related disorder. Also called: FAN1-related condition.

Allele frequency attached by ClinVar (database versions not stated): gnomAD 0.00010; ExAC 0.00015; ESP Exome Variant Server 0.00015; TOPMed 0.00015; gnomAD exomes 0.00017 and 0.00018; 1000 Genomes Project 0.00060; 1000 Genomes Project 30x 0.00062.
gnomAD v4.1: 253 of 1,614,062 alleles (0.016%); highest among the groups gnomAD compares: Admixed American, 0.038%; no homozygotes.

Submissions (3):

Labcorp Genetics (formerly Invitae), Labcorp
Classification: Likely benign. Last evaluated: 2025-12-25. Review status: criteria provided, single submitter. Criteria: Invitae Variant Classification Sherloc (09022015). Collection method: clinical testing. Allele origin: germline.

PreventionGenetics, part of Exact Sciences
Classification: Likely benign for FAN1-related condition. Last evaluated: 2022-06-22. Review status: no assertion criteria provided. Collection method: clinical testing. Allele origin: germline. Not counted in ClinVar's aggregate classification.
Comment: This variant is classified as likely benign based on ACMG/AMP sequence variant interpretation guidelines (Richards et al. 2015 PMID: 25741868, with internal and published modifications).

Dr. Peter K. Rogan Lab, Western University
No classification provided (evidence only). Condition: Familial cancer of breast. Review status: no classification provided. Collection method: in vitro. Allele origin: not applicable. Functional consequence: retained intron. Not counted in ClinVar's aggregate classification.